The following is an entry in ClinVar:

ClinVar aggregate classification (germline): Uncertain significance (1 of 4 stars; one submission).

Allele frequency attached by ClinVar (database versions not stated): gnomAD 0.00001; TOPMed 0.00001; ExAC 0.00002; ESP Exome Variant Server 0.00008.
gnomAD v4.1: 22 of 1,613,212 alleles (0.0014%); highest among the groups gnomAD compares: Non-Finnish European, 0.0018%; no homozygotes.

Submission:

Labcorp Genetics (formerly Invitae), Labcorp
Classification: Uncertain significance. Last evaluated: 2022-01-03. Review status: criteria provided, single submitter. Criteria: Invitae Variant Classification Sherloc (09022015). Collection method: clinical testing. Allele origin: germline.
Comment: This sequence change replaces arginine, which is basic and polar, with isoleucine, which is neutral and non-polar, at codon 244 of the DDX58 protein (p.Arg244Ile). In summary, the available evidence is currently insufficient to determine the role of this variant in disease. Therefore, it has been classified as a Variant of Uncertain Significance. Algorithms developed to predict the effect of missense changes on protein structure and function are either unavailable or do not agree on the potential impact of this missense change (SIFT: "Deleterious"; PolyPhen-2: "Probably Damaging"; Align-GVGD: "Class C0"). This variant has not been reported in the literature in individuals affected with DDX58-related conditions. This variant is present in population databases (rs143106649, gnomAD 0.008%).

NM_014314.4(RIGI):c.731G>T (p.Arg244Ile)

Gene: RIGI (RNA sensor RIG-I; minus strand). Cytogenetic location: 9p21.1.
Variant type: single nucleotide variant.
Coding change: c.731G>T on transcript NM_014314.4 (MANE Select); coding-DNA position 731, G replaced by T.
Protein change: p.Arg244Ile; replaces arginine 244 with isoleucine.
Molecular consequence: missense variant.
Genome position (GRCh38, 1-based): chr9:32,489,412, C>A on the plus strand (G>T on the coding strand, the complement: RIGI is on the minus strand). VCF-style: chr9-32489412-C-A. GRCh37 (hg19) VCF-style: chr9-32489410-C-A.
Other names: c.731G>T, p.Arg244Ile (NM_001385907.1, NM_001385909.1); c.290G>T, p.Arg97Ile (NM_001385910.1); c.122G>T, p.Arg41Ile (NM_001385912.1); c.716G>T, p.Arg239Ile (NM_001385913.1); c.287G>T, p.Arg96Ile (NM_001385914.1); short protein forms R244I, R96I, R239I, R41I, R97I.
Identifiers: ClinVar variation 2064032 (VCV002064032.4), dbSNP rs143106649, ClinGen allele CA5019999.